The following is an entry in ClinVar:

NM_020872.3(CNTN3):c.2123A>G (p.Asn708Ser)

Gene: CNTN3 (contactin 3; minus strand). Cytogenetic location: 3p12.3.
Variant type: single nucleotide variant.
Coding change: c.2123A>G on transcript NM_020872.3 (MANE Select); coding-DNA position 2123, A replaced by G.
Protein change: p.Asn708Ser; replaces asparagine 708 with serine.
Molecular consequence: missense variant.
Genome position (GRCh38, 1-based): chr3:74,299,911, T>C on the plus strand (A>G on the coding strand, the complement: CNTN3 is on the minus strand). VCF-style: chr3-74299911-T-C. GRCh37 (hg19) VCF-style: chr3-74349062-T-C.
Other names: NC_000003.11:g.74349062T>C; c.2123A>G, p.Asn708Ser (NM_001393376.1); short protein forms N708S.
Identifiers: ClinVar variation 3056967 (VCV003056967.3), dbSNP rs626578, ClinGen allele CA2495025.

ClinVar aggregate classification (germline): Benign (0 of 4 stars; one submission).

Conditions:
CNTN3-related disorder. Also called: CNTN3-related condition.

Allele frequency attached by ClinVar (database versions not stated): gnomAD exomes 0.06705; ESP Exome Variant Server 0.07212; gnomAD 0.08096; TOPMed 0.08558; ExAC 0.08592; 1000 Genomes Project 30x 0.12149; 1000 Genomes Project 0.12240.
gnomAD v4.1: 110,288 of 1,603,772 alleles (6.9%); highest among the groups gnomAD compares: East Asian, 23%; 4,930 homozygotes.

Submissions (10):

PreventionGenetics, part of Exact Sciences
Classification: Benign for CNTN3-related condition. Last evaluated: 2019-11-18. Review status: no assertion criteria provided. Collection method: clinical testing. Allele origin: germline.
Comment: This variant is classified as benign based on ACMG/AMP sequence variant interpretation guidelines (Richards et al. 2015 PMID: 25741868, with internal and published modifications).

Dr. Peter K. Rogan Lab, Western University
No classification provided (evidence only). Condition: Colon adenocarcinoma. Review status: no classification provided. Collection method: in vitro. Allele origin: not applicable. Functional consequence: retained intron. Not counted in ClinVar's aggregate classification.

Dr. Peter K. Rogan Lab, Western University
No classification provided (evidence only). Condition: Colon adenocarcinoma. Review status: no classification provided. Collection method: in vitro. Allele origin: not applicable. Functional consequence: retained intron. Not counted in ClinVar's aggregate classification.

Dr. Peter K. Rogan Lab, Western University
No classification provided (evidence only). Condition: Colon adenocarcinoma. Review status: no classification provided. Collection method: in vitro. Allele origin: not applicable. Functional consequence: retained intron. Not counted in ClinVar's aggregate classification.

Dr. Peter K. Rogan Lab, Western University
No classification provided (evidence only). Condition: Colon adenocarcinoma. Review status: no classification provided. Collection method: in vitro. Allele origin: not applicable. Functional consequence: retained intron. Not counted in ClinVar's aggregate classification.

Dr. Peter K. Rogan Lab, Western University
No classification provided (evidence only). Condition: Malignant lymphoma, large B-cell, diffuse. Review status: no classification provided. Collection method: in vitro. Allele origin: not applicable. Functional consequence: retained intron. Not counted in ClinVar's aggregate classification.

Dr. Peter K. Rogan Lab, Western University
No classification provided (evidence only). Condition: Thymoma. Review status: no classification provided. Collection method: in vitro. Allele origin: not applicable. Functional consequence: retained intron. Not counted in ClinVar's aggregate classification.

Dr. Peter K. Rogan Lab, Western University
No classification provided (evidence only). Condition: Adrenocortical carcinoma, hereditary. Review status: no classification provided. Collection method: in vitro. Allele origin: not applicable. Functional consequence: retained intron. Not counted in ClinVar's aggregate classification.

Dr. Peter K. Rogan Lab, Western University
No classification provided (evidence only). Condition: Uterine carcinosarcoma. Review status: no classification provided. Collection method: in vitro. Allele origin: not applicable. Functional consequence: retained intron. Not counted in ClinVar's aggregate classification.

Dr. Peter K. Rogan Lab, Western University
No classification provided (evidence only). Condition: Uterine carcinosarcoma. Review status: no classification provided. Collection method: in vitro. Allele origin: not applicable. Functional consequence: retained intron. Not counted in ClinVar's aggregate classification.